The following is an entry in ClinVar:

NM_000478.6(ALPL):c.323C>T (p.Pro108Leu)

Gene: ALPL (alkaline phosphatase, biomineralization associated; plus strand). Cytogenetic location: 1p36.12.
Variant type: single nucleotide variant.
Coding change: c.323C>T on transcript NM_000478.6 (MANE Select); coding-DNA position 323, C replaced by T.
Protein change: p.Pro108Leu; replaces proline 108 with leucine.
Molecular consequence: missense variant.
Genome position (GRCh38, 1-based): chr1:21,563,135, C>T. VCF-style: chr1-21563135-C-T. GRCh37 (hg19) VCF-style: chr1-21889628-C-T.
Other names: P91L; c.158C>T, p.Pro53Leu (NM_001127501.4); c.92C>T, p.Pro31Leu (NM_001177520.3); c.323C>T, p.Pro108Leu (NM_001369803.2, NM_001369804.2, NM_001369805.2); short protein forms P108L, P31L, P53L.
Identifiers: ClinVar variation 13680 (VCV000013680.2), dbSNP rs121918015, ClinGen allele CA123349.

ClinVar aggregate classification (germline): Pathogenic. Review status: criteria provided, single submitter (1 of 4 stars). 2 submissions from 2 submitters: Pathogenic (1). 1 of the submissions does not count toward it. Last evaluated 2025-08-29.

Conditions:
Hypophosphatasia. Also called: Phosphoethanol-aminuria. Identifiers: Orphanet 436, MedGen C0020630, MeSH D007014, MONDO:0018570.
Odontohypophosphatasia. Identifiers: Orphanet 247685, MedGen C1840322, MONDO:0016607.

Submissions (2):

Genomenon, Inc
Classification: Pathogenic for Hypophosphatasia. Last evaluated: 2025-08-29. Review status: criteria provided, single submitter. Criteria: Genomenon Sequence Variant Interpretation Standards. Collection method: curation. Allele origin: germline. Affected: yes.
Comment: ALPL c.323C>T is a missense variant that changes the amino acid at residue 108 from Proline to Leucine. This variant has been observed in at least one proband affected with hypophosphatasia (PMID:12920074). The variant was found to segregate with disease in at least one affected family (PMID:12920074). At least one functional study has demonstrated a substantial alteration in protein function relative to the wild-type (PMID:25982064;12920074;19500388). This variant is also described as Pro91Leu in the literature. It is absent or not present at a significant frequency in gnomAD. In silico models agree that this variant is possibly or probably damaging. In conclusion, we classify ALPL p.Pro108Leu (c.323C>T) as a pathogenic variant.

OMIM
Classification: Pathogenic for ODONTOHYPOPHOSPHATASIA. Last evaluated: 2003-08-01. Review status: no assertion criteria provided. Collection method: literature only. Allele origin: germline. Not counted in ClinVar's aggregate classification.

Literature cited by the submitters: PubMed 25982064 (cited by Genomenon, Inc); PubMed 12920074 (cited by Genomenon, Inc and OMIM); PubMed 19500388 (cited by Genomenon, Inc).